The following is an entry in ClinVar:

ClinVar aggregate classification (germline): Uncertain significance. Review status: criteria provided, multiple submitters, no conflicts (2 of 4 stars). 6 submissions from 6 submitters: Uncertain significance (6). Last evaluated 2024-07-31.

Conditions:
Left ventricular noncompaction 1 (LVNC1). Also called: LEFT VENTRICULAR NONCOMPACTION 1 WITH OR WITHOUT CONGENITAL HEART DEFECTS. Identifiers: Orphanet 54260, MedGen C1858725, MONDO:0011403, OMIM 604169.

Allele frequency attached by ClinVar (database versions not stated): gnomAD exomes 0.00001 and 0.00003; gnomAD 0.00003; TOPMed 0.00006.
gnomAD v4.1: 51 of 1,613,980 alleles (0.0032%); highest among the groups gnomAD compares: Non-Finnish European, 0.0037%; no homozygotes.

Submissions (6):

Labcorp Genetics (formerly Invitae), Labcorp
Classification: Uncertain significance for Left ventricular noncompaction 1. Last evaluated: 2024-07-31. Review status: criteria provided, single submitter. Criteria: Invitae Variant Classification Sherloc (09022015). Collection method: clinical testing. Allele origin: germline.
Comment: This sequence change replaces arginine, which is basic and polar, with glutamine, which is neutral and polar, at codon 519 of the DTNA protein (p.Arg519Gln). This variant is present in population databases (rs773504046, gnomAD 0.002%). This variant has not been reported in the literature in individuals affected with DTNA-related conditions. ClinVar contains an entry for this variant (Variation ID: 652072). An algorithm developed to predict the effect of missense changes on protein structure and function (PolyPhen-2) suggests that this variant is likely to be disruptive. In summary, the available evidence is currently insufficient to determine the role of this variant in disease. Therefore, it has been classified as a Variant of Uncertain Significance.

Blueprint Genetics
Classification: Uncertain significance. Last evaluated: 2024-02-27. Review status: criteria provided, single submitter. Criteria: ACMG Guidelines, 2015. Collection method: clinical testing. Allele origin: germline.

Fulgent Genetics
Classification: Uncertain significance for Left ventricular noncompaction 1. Last evaluated: 2023-12-31. Review status: criteria provided, single submitter. Criteria: ACMG Guidelines, 2015. Collection method: clinical testing. Allele origin: germline.

Baylor Genetics
Classification: Uncertain significance for Left ventricular noncompaction 1. Last evaluated: 2022-12-08. Review status: criteria provided, single submitter. Criteria: ACMG Guidelines, 2015. Collection method: clinical testing. Allele origin: unknown.

Johns Hopkins Genomics, Johns Hopkins University
Classification: Uncertain significance for Left ventricular noncompaction 1. Last evaluated: 2020-02-21. Review status: criteria provided, single submitter. Criteria: ACMG Guidelines, 2015. Collection method: clinical testing. Allele origin: germline.
Comment: This DTNA variant (rs773504046) is rare (<0.1%) in a large population dataset (gnomAD: 3/280632 total alleles; 0.001069%; no homozygotes). A single submitter in ClinVar classifies this variant as uncertain. Three bioinformatic tools queried predict that this substitution would be damaging, and the arginine residue at this position is evolutionarily conserved across all higher-order species assessed. Due to insufficient evidence that this variant is deleterious, we consider the clinical significance of c.1556G>A to be uncertain at this time.

Breakthrough Genomics
Classification: Uncertain significance. Review status: criteria provided, single submitter. Criteria: ACMG Guidelines, 2015. Collection method: not provided. Allele origin: germline. Inheritance: Autosomal dominant inheritance. Affected: yes.

NM_001386795.1(DTNA):c.1637G>A (p.Arg546Gln)

Gene: DTNA (dystrobrevin alpha; plus strand). Cytogenetic location: 18q12.1.
Variant type: single nucleotide variant.
Coding change: c.1637G>A on transcript NM_001386795.1 (MANE Select); coding-DNA position 1637, G replaced by A.
Protein change: p.Arg546Gln; replaces arginine 546 with glutamine.
Molecular consequence: missense variant.
Genome position (GRCh38, 1-based): chr18:34,858,389, G>A. VCF-style: chr18-34858389-G-A. GRCh37 (hg19) VCF-style: chr18-32438353-G-A.
Other names: c.1376G>A, p.Arg459Gln (NM_001198938.2, NM_001198939.2, NM_001198940.2 and 9 more transcripts); c.683G>A, p.Arg228Gln (NM_001198942.1); c.626G>A, p.Arg209Gln (NM_001198943.1); c.512G>A, p.Arg171Gln (NM_001198944.1); c.806G>A, p.Arg269Gln (NM_001198945.2); c.1466G>A, p.Arg489Gln (NM_001386754.1, NM_001386755.1, NM_001386756.1 and 4 more transcripts); c.1463G>A, p.Arg488Gln (NM_001386760.1); c.1385G>A, p.Arg462Gln (NM_001386761.1, NM_032975.4, NM_032979.5); and 7 more; short protein forms R228Q, R269Q, R519Q, R209Q, R141Q, R167Q, R171Q, R459Q.
Identifiers: ClinVar variation 652072 (VCV000652072.9), dbSNP rs773504046, ClinGen allele CA297791562.